The following is an entry in ClinVar:

NM_007294.4(BRCA1):c.2368_2369del (p.Thr790fs)

Gene: BRCA1 (BRCA1 DNA repair associated; minus strand). Cytogenetic location: 17q21.31.
Variant type: Deletion.
Coding change: c.2368_2369del on transcript NM_007294.4 (MANE Select); coding-DNA positions 2368 to 2369, 2 bases deleted (AC; older notation c.2368_2369delAC).
Protein change: p.Thr790fs; shifts the reading frame from threonine 790.
Molecular consequence: frameshift variant. On other transcripts: intron variant (137).
Genome position (GRCh38, 1-based): chr17:43,093,162-43,093,163, GT deleted on the plus strand (AC on the coding strand, the reverse complement: BRCA1 is on the minus strand); deleting any 2 consecutive bases within chr17:43,093,162-43,093,164 gives the same sequence; the c. name uses the placement nearest the transcript's 3' end. VCF-style (leftmost placement, unchanged base first): chr17-43093161-AGT-A. GRCh37 (hg19) VCF-style: chr17-41245178-AGT-A.
Other names: 2487_2488delAC; c.784+1581_784+1582del (NM_001408407.1, NM_001408402.1, NM_001408473.1 and 13 more transcripts); c.664+1581_664+1582del (NM_001408443.1, NM_001408439.1, NM_001408425.1 and 12 more transcripts); c.671-2131_671-2130del (NM_001408419.1, NM_001408422.1, NM_001408418.1 and 2 more transcripts); c.787+1581_787+1582del (NM_001408403.1, NM_001407983.1, NM_001407975.1 and 17 more transcripts); c.790+1578_790+1579del (NM_001408406.1); c.646+1581_646+1582del (NM_001408456.1, NM_001408410.1, NM_001408458.1 and 11 more transcripts); c.643+1581_643+1582del (NM_001408465.1, NM_001408463.1, NM_001408462.1 and 3 more transcripts); and 43 more; short protein forms T790fs, T743fs, T719fs, T723fs, T763fs, T494fs, T622fs, T679fs.
Identifiers: ClinVar variation 266254 (VCV000266254.6), dbSNP rs886040029, ClinGen allele CA10589858.

ClinVar aggregate classification (germline): Pathogenic. Review status: reviewed by expert panel (3 of 4 stars). 2 submissions from 2 submitters: Pathogenic (1). 1 of the submissions does not count toward it. Last evaluated 2016-10-18.

Conditions:
Breast-ovarian cancer, familial, susceptibility to, 1 (BROVCA1). Also called: BRCA1 Hereditary Breast and Ovarian Cancer; OVARIAN CANCER, SUSCEPTIBILITY TO. Identifiers: Orphanet 145, MedGen C2676676, MONDO:0011450, OMIM 604370. Disease mechanism: loss of function.

Submissions (2):

Evidence-based Network for the Interpretation of Germline Mutant Alleles (ENIGMA)
Classification: Pathogenic for Breast-ovarian cancer, familial, susceptibility to, 1. Last evaluated: 2016-10-18. Review status: reviewed by expert panel. Criteria: ENIGMA BRCA1/2 Classification Criteria (2015). Collection method: curation. Allele origin: germline.
Comment: Variant allele predicted to encode a truncated non-functional protein.

Consortium of Investigators of Modifiers of BRCA1/2 (CIMBA), c/o University of Cambridge
Classification: Pathogenic for Breast-ovarian cancer, familial, susceptibility to, 1. Last evaluated: 2015-10-02. Review status: criteria provided, single submitter. Criteria: CIMBA Mutation Classification guidelines May 2016. Collection method: clinical testing. Allele origin: germline. Not counted in ClinVar's aggregate classification.